The following is an entry in ClinVar:

NM_021008.4(DEAF1):c.1315C>G (p.Pro439Ala)

Genes: DEAF1 (DEAF1 transcription factor; minus strand), LOC126861109 (BRD4-independent group 4 enhancer GRCh37_chr11:673917-675116; plus strand). Cytogenetic location: 11p15.5.
Variant type: single nucleotide variant.
Coding change: c.1315C>G on transcript NM_021008.4 (MANE Select); coding-DNA position 1315, C replaced by G.
Protein change: p.Pro439Ala; replaces proline 439 with alanine.
Molecular consequence: missense variant.
Genome position (GRCh38, 1-based): chr11:674,724, G>C on the plus strand (C>G on the coding strand, the complement: DEAF1 is on the minus strand). VCF-style: chr11-674724-G-C. GRCh37 (hg19) VCF-style: chr11-674724-G-C.
Other names: c.1048C>G, p.Pro350Ala (NM_001293634.2); c.589C>G, p.Pro197Ala (NM_001367390.1); short protein forms P197A, P350A, P439A.
Identifiers: ClinVar variation 2444813 (VCV002444813.1), dbSNP rs2494379971, ClinGen allele CA378924357.

ClinVar aggregate classification (germline): Uncertain significance (1 of 4 stars; one submission).

Submission:

GeneDx
Classification: Uncertain significance. Last evaluated: 2022-09-19. Review status: criteria provided, single submitter. Criteria: GeneDx Variant Classification Process June 2021. Collection method: clinical testing. Allele origin: germline. Affected: yes.
Comment: Not observed at significant frequency in large population cohorts (gnomAD); In silico analysis supports that this missense variant does not alter protein structure/function; Has not been previously published as pathogenic or benign to our knowledge